The following is an entry in ClinVar:

ClinVar aggregate classification (germline): Likely benign (1 of 4 stars; one submission).

gnomAD v4.1: 84 of 1,612,238 alleles (0.0052%); highest among the groups gnomAD compares: Admixed American, 0.025%; no homozygotes.

Submission:

CeGaT Center for Human Genetics Tuebingen
Classification: Likely benign. Last evaluated: 2024-09-01. Review status: criteria provided, single submitter. Criteria: CeGaT Center For Human Genetics Tuebingen Variant Classification Criteria Version 2. Collection method: clinical testing. Allele origin: germline. Affected: yes. Observed: 1 variant allele.
Comment: AHNAK2: BP4, BP7

NM_138420.4(AHNAK2):c.3441G>T (p.Gly1147=)

Gene: AHNAK2 (AHNAK nucleoprotein 2; minus strand). Cytogenetic location: 14q32.33.
Variant type: single nucleotide variant.
Coding change: c.3441G>T on transcript NM_138420.4 (MANE Select); coding-DNA position 3441, G replaced by T.
Protein change: p.Gly1147=; no amino-acid change (glycine 1147 retained).
Molecular consequence: synonymous variant.
Genome position (GRCh38, 1-based): chr14:104,952,010, C>A on the plus strand (G>T on the coding strand, the complement: AHNAK2 is on the minus strand). VCF-style: chr14-104952010-C-A. GRCh37 (hg19) VCF-style: chr14-105418347-C-A.
Other names: c.3141G>T, p.Gly1047= (NM_001350929.2).
Identifiers: ClinVar variation 3388561 (VCV003388561.14).